The following is an entry in ClinVar:

ClinVar aggregate classification (germline): Uncertain significance (0 of 4 stars; one submission).

Conditions:
ARID2-related disorder. Also called: ARID2-related condition.

Submission:

PreventionGenetics, part of Exact Sciences
Classification: Uncertain significance for ARID2-related condition. Last evaluated: 2024-09-28. Review status: no assertion criteria provided. Collection method: clinical testing. Allele origin: germline.
Comment: The ARID2 c.3421C>A variant is predicted to result in the amino acid substitution p.Gln1141Lys. To our knowledge, this variant has not been reported in the literature or in a large population database, indicating this variant is rare. At this time, the clinical significance of this variant is uncertain due to the absence of conclusive functional and genetic evidence.

NM_152641.4(ARID2):c.3421C>A (p.Gln1141Lys)

Gene: ARID2 (AT-rich interaction domain 2; plus strand). Cytogenetic location: 12q12.
Variant type: single nucleotide variant.
Coding change: c.3421C>A on transcript NM_152641.4 (MANE Select); coding-DNA position 3421, C replaced by A.
Protein change: p.Gln1141Lys; replaces glutamine 1141 with lysine.
Molecular consequence: missense variant.
Genome position (GRCh38, 1-based): chr12:45,851,544, C>A. VCF-style: chr12-45851544-C-A. GRCh37 (hg19) VCF-style: chr12-46245327-C-A.
Other names: c.3421C>A, p.Gln1141Lys (NM_001347839.2); short protein forms Q1141K.
Identifiers: ClinVar variation 3344627 (VCV003344627.1).